The following is an entry in ClinVar:

ClinVar aggregate classification (germline): Uncertain significance. Review status: criteria provided, multiple submitters, no conflicts (2 of 4 stars). 5 submissions from 5 submitters: Uncertain significance (5). Last evaluated 2025-08-27.

Conditions:
Inborn genetic diseases. Identifiers: MedGen C0950123, MeSH D030342.
Bethlem myopathy 1C (BTHLM1C). Identifiers: MedGen C5935581, MONDO:0958234, OMIM 620726.
Bethlem myopathy 1A. Also called: MYOPATHY, BENIGN CONGENITAL, WITH CONTRACTURES; Bethlem myopathy 1; Bethlem Muscular Dystrophy. Identifiers: Orphanet 610, MedGen CN029274, MONDO:0024530, OMIM 158810.

Allele frequency attached by ClinVar (database versions not stated): TOPMed below 0.00001; ExAC 0.00001; gnomAD exomes 0.00001.
gnomAD v4.1: 19 of 1,614,166 alleles (0.0012%); highest among the groups gnomAD compares: South Asian, 0.011%; no homozygotes.

Submissions (5):

Ambry Genetics
Classification: Uncertain significance for Inborn genetic diseases. Last evaluated: 2025-08-27. Review status: criteria provided, single submitter. Criteria: Ambry Variant Classification Scheme 2023. Collection method: clinical testing. Allele origin: germline.

Kariminejad - Najmabadi Pathology & Genetics Center
Classification: Uncertain significance for Bethlem myopathy 1C. Last evaluated: 2024-08-12. Review status: criteria provided, single submitter. Criteria: ACMG Guidelines, 2015. Collection method: clinical testing. Allele origin: germline. Inheritance: Autosomal recessive inheritance. Affected: yes.
Comment: (PP3_Moderate,PM2_Supporting,PP5_Supporting)

Labcorp Genetics (formerly Invitae), Labcorp
Classification: Uncertain significance for Bethlem myopathy 1A. Last evaluated: 2023-11-27. Review status: criteria provided, single submitter. Criteria: Invitae Variant Classification Sherloc (09022015). Collection method: clinical testing. Allele origin: germline.
Comment: This sequence change replaces glycine, which is neutral and non-polar, with serine, which is neutral and polar, at codon 2174 of the COL6A3 protein (p.Gly2174Ser). This variant is present in population databases (rs766458058, gnomAD 0.01%). This variant has not been reported in the literature in individuals affected with COL6A3-related conditions. ClinVar contains an entry for this variant (Variation ID: 523040). Advanced modeling of protein sequence and biophysical properties (such as structural, functional, and spatial information, amino acid conservation, physicochemical variation, residue mobility, and thermodynamic stability) performed at Invitae indicates that this missense variant is expected to disrupt COL6A3 protein function with a positive predictive value of 80%. In summary, the available evidence is currently insufficient to determine the role of this variant in disease. Therefore, it has been classified as a Variant of Uncertain Significance.

Revvity Omics, Revvity
Classification: Uncertain significance. Last evaluated: 2022-04-19. Review status: criteria provided, single submitter. Criteria: ACMG Guidelines, 2015. Collection method: clinical testing. Allele origin: germline.

Genomic Research Center, Shahid Beheshti University of Medical Sciences
Classification: Uncertain significance for Bethlem myopathy 1. Last evaluated: 2019-01-01. Review status: criteria provided, single submitter. Criteria: ACMG Guidelines, 2015. Collection method: clinical testing. Allele origin: inherited. Affected: yes.

NM_004369.4(COL6A3):c.6520G>A (p.Gly2174Ser)

Gene: COL6A3 (collagen type VI alpha 3 chain; minus strand). Cytogenetic location: 2q37.3.
Variant type: single nucleotide variant.
Coding change: c.6520G>A on transcript NM_004369.4 (MANE Select); coding-DNA position 6520, G replaced by A.
Protein change: p.Gly2174Ser; replaces glycine 2174 with serine.
Molecular consequence: missense variant.
Genome position (GRCh38, 1-based): chr2:237,357,834, C>T on the plus strand (G>A on the coding strand, the complement: COL6A3 is on the minus strand). VCF-style: chr2-237357834-C-T. GRCh37 (hg19) VCF-style: chr2-238266477-C-T.
Other names: c.4699G>A, p.Gly1567Ser (NM_057166.5); c.5902G>A, p.Gly1968Ser (NM_057167.4); short protein forms G2174S, G1968S, G1567S.
Identifiers: ClinVar variation 523040 (VCV000523040.17), dbSNP rs766458058, ClinGen allele CA2188245.